The following is an entry in ClinVar:

NC_000013.10:g.(?_102521055)_(102568995_?)del

Gene: FGF14 (fibroblast growth factor 14; minus strand). Cytogenetic location: 13q33.1.
Variant type: Deletion.
Identifiers: ClinVar variation 2425024 (VCV002425024.4).

ClinVar aggregate classification (germline): Pathogenic (1 of 4 stars; one submission).

Submission:

Labcorp Genetics (formerly Invitae), Labcorp
Classification: Pathogenic. Last evaluated: 2022-07-25. Review status: criteria provided, single submitter. Criteria: Invitae Variant Classification Sherloc (09022015). Collection method: clinical testing. Allele origin: germline.
Comment: For these reasons, this variant has been classified as Pathogenic. A similar copy number variant has been observed in individual(s) with spinocerebellar ataxia (PMID: 28192817). This variant is a gross deletion of the genomic region encompassing exon(s) 1-3 of the FGF14 gene, which includes the initiator codon. This deletion extends beyond the assayed region for this gene and therefore may encompass additional genes. It is expected to result in an absent or disrupted protein product. Loss-of-function variants in FGF14 are known to be pathogenic (PMID: 15470364, 25566820, 30017992).

Literature cited by the submitters: PubMed 28192817; PubMed 15470364; PubMed 25566820; PubMed 30017992.